The following is an entry in ClinVar:

ClinVar aggregate classification (germline): Likely pathogenic (1 of 4 stars; one submission).

Conditions:
Cystic fibrosis (CF). Also called: MUCOVISCIDOSIS. Identifiers: Orphanet 586, MedGen C0010674, MONDO:0009061, OMIM 219700. Disease mechanism: loss of function.

Submission:

Women's Health and Genetics/Laboratory Corporation of America, LabCorp
Classification: Likely pathogenic for Cystic fibrosis. Last evaluated: 2024-03-28. Review status: criteria provided, single submitter. Criteria: LabCorp Variant Classification Summary - May 2015. Collection method: clinical testing. Allele origin: germline.
Comment: Variant summary: The variant involves the deletion of exons 2-4 in the CFTR gene. A presumed nomenclature of c.(53+1_54-1)_(489+1_490-1)del has been designated for the purposes of this classification. This Copy Number Variant (CNV) is expected to alter the reading frame and predicted to result in a truncation or absence of the encoded protein due to nonsense mediated decay (NMD). The variant allele was found at a frequency of 8.3e-06 in 120780 control chromosomes in the gnomAD database (Structural Variants v4.0 dataset). Deletion of exons 2-4 in the CFTR gene has been reported in the literature in individuals affected with Cystic Fibrosis (e.g. Raraigh_2022, CFTR2 database). To our knowledge, no experimental evidence demonstrating an impact on protein function has been reported. The following publication have been ascertained in the context of this evaluation (PMID: 34782259). ClinVar contains an entry for this variant (Variation ID: 833089). Based on the evidence outlined above, the variant was classified as pathogenic.

Literature cited by the submitters: PubMed 34782259.

NC_000007.13:g.(117120202_117144306)_(117171169_117174329)del

Gene: CFTR (CF transmembrane conductance regulator; plus strand). Cytogenetic location: 7q31.2.
Variant type: Deletion.
Identifiers: ClinVar variation 3233726 (VCV003233726.2).